The following is an entry in ClinVar:

NM_000341.4(SLC3A1):c.899T>C (p.Leu300Ser)

Gene: SLC3A1 (solute carrier family 3 member 1; plus strand). Cytogenetic location: 2p21.
Variant type: single nucleotide variant.
Coding change: c.899T>C on transcript NM_000341.4 (MANE Select); coding-DNA position 899, T replaced by C.
Protein change: p.Leu300Ser; replaces leucine 300 with serine.
Molecular consequence: missense variant.
Genome position (GRCh38, 1-based): chr2:44,299,978, T>C. VCF-style: chr2-44299978-T-C. GRCh37 (hg19) VCF-style: chr2-44527117-T-C.
Other names: short protein forms L300S.
Identifiers: ClinVar variation 2506185 (VCV002506185.1), dbSNP rs1209210934, ClinGen allele CA346680972.
Genomic context (GRCh38, chr2:44,299,978, plus strand): 5'-TTGTGATAATAACGTAGTTAATGTAACCAAGCATTTTGCTTCTTCATCTTTAGGAAATTT[T>C]ACGGTTCTGGCTCACAAAGGGTGTTGATGGTTTTAGTTTGGATGCTGTTAAATTCCTCCT-3'
Protein context (NP_000332.2, residues 290-310): PDVQEEIKEI[Leu300Ser]RFWLTKGVDG

ClinVar aggregate classification (germline): Uncertain significance (1 of 4 stars; one submission).

Allele frequency attached by ClinVar (database versions not stated): gnomAD 0.00001; gnomAD exomes 0.00001; TOPMed 0.00001.
gnomAD v4.1: 9 of 1,614,032 alleles (0.00056%); highest among the groups gnomAD compares: Non-Finnish European, 0.000085%; no homozygotes.

Submission:

Women's Health and Genetics/Laboratory Corporation of America, LabCorp
Classification: Uncertain significance. Last evaluated: 2023-05-19. Review status: criteria provided, single submitter. Criteria: LabCorp Variant Classification Summary - May 2015. Collection method: clinical testing. Allele origin: germline.
Comment: Variant summary: SLC3A1 c.899T>C (p.Leu300Ser) results in a non-conservative amino acid change in the encoded protein sequence. Four of five in-silico tools predict a damaging effect of the variant on protein function. The variant was absent in 251338 control chromosomes. The available data on variant occurrences in the general population are insufficient to allow any conclusion about variant significance. c.899T>C has been reported in the literature in individuals affected with Cystinuria I (Di Perna_2008). This report does not provide unequivocal conclusions about association of the variant with Cystinuria. To our knowledge, no experimental evidence demonstrating an impact on protein function has been reported. The following publication have been ascertained in the context of this evaluation (PMID: 18752446). No clinical diagnostic laboratories have submitted clinical-significance assessments for this variant to ClinVar after 2014. Based on the evidence outlined above, the variant was classified as uncertain significance.

Literature cited by the submitters: PubMed 18752446.